The following is an entry in ClinVar:

ClinVar aggregate classification (germline): Uncertain significance (1 of 4 stars; one submission).

Allele frequency attached by ClinVar (database versions not stated): gnomAD exomes 0.00001; gnomAD 0.00005; TOPMed 0.00006; ExAC 0.00012.
gnomAD v4.1: 28 of 1,588,548 alleles (0.0018%); highest among the groups gnomAD compares: East Asian, 0.06%; no homozygotes.

Submission:

Labcorp Genetics (formerly Invitae), Labcorp
Classification: Uncertain significance. Last evaluated: 2022-05-13. Review status: criteria provided, single submitter. Criteria: Invitae Variant Classification Sherloc (09022015). Collection method: clinical testing. Allele origin: germline.
Comment: This sequence change replaces proline, which is neutral and non-polar, with arginine, which is basic and polar, at codon 121 of the COL13A1 protein (p.Pro121Arg). This variant is present in population databases (rs760350699, gnomAD 0.1%). This variant has not been reported in the literature in individuals affected with COL13A1-related conditions. Algorithms developed to predict the effect of missense changes on protein structure and function are either unavailable or do not agree on the potential impact of this missense change (SIFT: "Deleterious"; PolyPhen-2: "Probably Damaging"; Align-GVGD: "Class C0"). In summary, the available evidence is currently insufficient to determine the role of this variant in disease. Therefore, it has been classified as a Variant of Uncertain Significance.

NM_001368882.1(COL13A1):c.362C>G (p.Pro121Arg)

Gene: COL13A1 (collagen type XIII alpha 1 chain; plus strand). Cytogenetic location: 10q22.1.
Variant type: single nucleotide variant.
Coding change: c.362C>G on transcript NM_001368882.1 (MANE Select); coding-DNA position 362, C replaced by G.
Protein change: p.Pro121Arg; replaces proline 121 with arginine.
Molecular consequence: missense variant. On other transcripts: 5 prime UTR variant (1).
Genome position (GRCh38, 1-based): chr10:69,822,436, C>G. VCF-style: chr10-69822436-C-G. GRCh37 (hg19) VCF-style: chr10-71582192-C-G.
Other names: c.362C>G, p.Pro121Arg (NM_001130103.2, NM_001320951.2, NM_001368883.1 and 11 more transcripts); c.-292C>G (NM_001368886.1); short protein forms P121R.
Identifiers: ClinVar variation 2167337 (VCV002167337.1), dbSNP rs760350699, ClinGen allele CA5534057.